The following is an entry in ClinVar:

NM_001145308.4(LRTOMT):c.-743G>A

Genes: LRTOMT (leucine rich transmembrane and O-methyltransferase domain containing; plus strand), NUMA1 (nuclear mitotic apparatus protein 1; minus strand). Cytogenetic location: 11q13.4.
Variant type: single nucleotide variant.
Coding change: c.-743G>A on transcript NM_001145308.4; 743 bases upstream of the start codon, G replaced by A.
Molecular consequence: 5 prime UTR variant (on NM_006185.4). On other transcripts: non-coding transcript variant (1).
Genome position (GRCh38, 1-based): chr11:72,080,464, G>A. VCF-style: chr11-72080464-G-A. GRCh37 (hg19) VCF-style: chr11-71791510-G-A.
Other names: c.-207C>T (NM_001286561.2); c.-109C>T (NM_006185.4).
Identifiers: ClinVar variation 305973 (VCV000305973.7), dbSNP rs114912925, ClinGen allele CA10639351.
Genomic context (GRCh38, chr11:72,080,464, plus strand): 5'-AGCACCCGCAGGGGTGCCCAGGCCGCACGCCAAACGCGGGCCCGCGCCGGTTACCTGGCT[G>A]CGCGCTCCCGCTCTGCCTCGCGATTCTCCGGAATCGTACCTCTTCGTGGGCTCGCGCCAG-3'

ClinVar aggregate classification (germline): Likely benign (1 of 4 stars; one submission).

Conditions:
Autosomal recessive nonsyndromic hearing loss 63. Identifiers: Orphanet 90636, MedGen C1969621, MONDO:0012670, OMIM 611451.

Allele frequency attached by ClinVar (database versions not stated): TOPMed 0.02187; gnomAD 0.02058 and 0.01905; 1000 Genomes Project 0.01737; 1000 Genomes Project 30x 0.02108.

Submission:

Illumina Laboratory Services, Illumina
Classification: Likely benign for Autosomal recessive nonsyndromic hearing loss 63. Last evaluated: 2018-01-12. Review status: criteria provided, single submitter. Criteria: ICSL Variant Classification Criteria 13 December 2019. Collection method: clinical testing. Allele origin: germline.
Comment: This variant was observed in the ICSL laboratory as part of a predisposition screen in an ostensibly healthy population. It had not been previously curated by ICSL or reported in the Human Gene Mutation Database (HGMD: prior to June 1st, 2018), and was therefore a candidate for classification through an automated scoring system. Utilizing variant allele frequency, disease prevalence and penetrance estimates, and inheritance mode, an automated score was calculated to assess if this variant is too frequent to cause the disease. Based on the score and internal cut-off values, a variant classified as likely benign is not then subjected to further curation. The score for this variant resulted in a classification of likely benign for this disease.